The following is an entry in ClinVar:

NM_006904.7(PRKDC):c.1205C>A (p.Thr402Asn)

Gene: PRKDC (protein kinase, DNA-activated, catalytic subunit; minus strand). Cytogenetic location: 8q11.21.
Variant type: single nucleotide variant.
Coding change: c.1205C>A on transcript NM_006904.7 (MANE Select); coding-DNA position 1205, C replaced by A.
Protein change: p.Thr402Asn; replaces threonine 402 with asparagine.
Molecular consequence: missense variant.
Genome position (GRCh38, 1-based): chr8:47,936,426, G>T on the plus strand (C>A on the coding strand, the complement: PRKDC is on the minus strand). VCF-style: chr8-47936426-G-T. GRCh37 (hg19) VCF-style: chr8-48848986-G-T.
Other names: c.1205C>A, p.Thr402Asn (NM_001081640.2); short protein forms T402N.
Identifiers: ClinVar variation 3225732 (VCV003225732.1), dbSNP rs2551879731, ClinGen allele CA371166199.
Genomic context (GRCh38, chr8:47,936,426, plus strand): 5'-AGCAAGACGCTTGCAACAGACTGGAGGAAGCTTGGCATCTGATAAACACGGTCGTCACCA[G>T]TGTCTGTCTGGGTGAGGAACATCTGCTTGCAGCGCTGAATGAGCTCAACGTACATGAAGT-3'
Protein context (NP_008835.5, residues 392-412): CKQMFLTQTD[Thr402Asn]GDDRVYQMPS

ClinVar aggregate classification (germline): Uncertain significance (1 of 4 stars; one submission).

Submission:

Ambry Genetics
Classification: Uncertain significance. Last evaluated: 2024-02-24. Review status: criteria provided, single submitter. Criteria: Ambry Variant Classification Scheme 2023. Collection method: clinical testing. Allele origin: germline.
Comment: The p.T402N variant (also known as c.1205C>A), located in coding exon 12 of the PRKDC gene, results from a C to A substitution at nucleotide position 1205. The threonine at codon 402 is replaced by asparagine, an amino acid with similar properties. This amino acid position is conserved. In addition, this alteration is predicted to be tolerated by in silico analysis. Based on the available evidence, the clinical significance of this alteration remains unclear.